The following is an entry in ClinVar:

NM_000063.6(C2):c.1484C>T (p.Ala495Val)

Gene: C2 (complement C2; plus strand). Cytogenetic location: 6p21.33.
Variant type: single nucleotide variant.
Coding change: c.1484C>T on transcript NM_000063.6 (MANE Select); coding-DNA position 1484, C replaced by T.
Protein change: p.Ala495Val; replaces alanine 495 with valine.
Molecular consequence: missense variant.
Genome position (GRCh38, 1-based): chr6:31,943,444, C>T. VCF-style: chr6-31943444-C-T. GRCh37 (hg19) VCF-style: chr6-31911221-C-T.
Other names: c.1088C>T, p.Ala363Val (NM_001145903.3); c.842C>T, p.Ala281Val (NM_001178063.3); c.746C>T, p.Ala249Val (NM_001282457.2); c.1397C>T, p.Ala466Val (NM_001282458.2); short protein forms A249V, A281V, A466V, A495V, A363V.
Identifiers: ClinVar variation 2115285 (VCV002115285.4), dbSNP rs2482624462, ClinGen allele CA363377529.
Genomic context (GRCh38, chr6:31,943,444, plus strand): 5'-GCAATCTCTGAAAATCACCTGTTCCCCTGCAGCCCAAGAGCCAAGAGACCTGCCGGGGGG[C>T]CCTCATCTCCGACCAATGGGTCCTGACAGCAGCTCATTGCTTCCGCGATGGCAACGACCA-3'
Protein context (NP_000054.2, residues 485-505): KPKSQETCRG[Ala495Val]LISDQWVLTA

ClinVar aggregate classification (germline): Uncertain significance (1 of 4 stars; one submission).

Submission:

Labcorp Genetics (formerly Invitae), Labcorp
Classification: Uncertain significance. Last evaluated: 2022-08-19. Review status: criteria provided, single submitter. Criteria: Invitae Variant Classification Sherloc (09022015). Collection method: clinical testing. Allele origin: germline.
Comment: In summary, the available evidence is currently insufficient to determine the role of this variant in disease. Therefore, it has been classified as a Variant of Uncertain Significance. Algorithms developed to predict the effect of missense changes on protein structure and function are either unavailable or do not agree on the potential impact of this missense change (SIFT: "Deleterious"; PolyPhen-2: "Possibly Damaging"; Align-GVGD: "Class C0"). This variant has not been reported in the literature in individuals affected with C2-related conditions. This variant is not present in population databases (gnomAD no frequency). This sequence change replaces alanine, which is neutral and non-polar, with valine, which is neutral and non-polar, at codon 495 of the C2 protein (p.Ala495Val).